The following is an entry in ClinVar:

ClinVar aggregate classification (germline): Conflicting classifications of pathogenicity. Review status: criteria provided, conflicting classifications (1 of 4 stars). 3 submissions from 3 submitters: Uncertain significance (2); Likely benign (1). Last evaluated 2025-10-09.

Conditions:
Hereditary cancer-predisposing syndrome. Also called: Tumor predisposition; Hereditary neoplastic syndrome; Neoplastic Syndromes, Hereditary; Hereditary Cancer Syndrome. Identifiers: Orphanet 140162, MedGen C0027672, MeSH D009386, MONDO:0015356.
Hereditary breast ovarian cancer syndrome. Also called: BRCA1- and BRCA2-Associated Hereditary Breast and Ovarian Cancer; Hereditary breast and ovarian cancer; Hereditary breast and ovarian cancer syndrome; Breast and ovarian cancer; Hereditary breast and/or ovarian cancer syndrome; Hereditary breast and ovarian cancer syndrome (HBOC). Identifiers: Orphanet 145, MedGen C0677776, MeSH D061325, MONDO:0003582. Disease mechanism: loss of function.

Allele frequency attached by ClinVar (database versions not stated): gnomAD exomes below 0.00001.
gnomAD v4.1: 1 of 1,613,988 alleles (0.000062%); no homozygotes.

Submissions (3):

Labcorp Genetics (formerly Invitae), Labcorp
Classification: Uncertain significance for Hereditary breast ovarian cancer syndrome. Last evaluated: 2025-10-09. Review status: criteria provided, single submitter. Criteria: Invitae Variant Classification Sherloc (09022015). Collection method: clinical testing. Allele origin: germline.
Comment: This sequence change replaces cysteine, which is neutral and slightly polar, with arginine, which is basic and polar, at codon 1580 of the BRCA2 protein (p.Cys1580Arg). This variant is not present in population databases (gnomAD no frequency). This variant has not been reported in the literature in individuals affected with BRCA2-related conditions. ClinVar contains an entry for this variant (Variation ID: 1008584). Invitae Evidence Modeling of protein sequence and biophysical properties (such as structural, functional, and spatial information, amino acid conservation, physicochemical variation, residue mobility, and thermodynamic stability) indicates that this missense variant is not expected to disrupt BRCA2 protein function with a negative predictive value of 95%. In summary, the available evidence is currently insufficient to determine the role of this variant in disease. Therefore, it has been classified as a Variant of Uncertain Significance.

University of Washington Department of Laboratory Medicine, University of Washington
Classification: Likely benign for Hereditary cancer-predisposing syndrome. Last evaluated: 2023-03-23. Review status: criteria provided, single submitter. Criteria: Dines et al. (Genet Med. 2020). Collection method: curation. Allele origin: germline.
Comment: Missense variant in a coldspot region where missense variants are very unlikely to be pathogenic (PMID:31911673).

BRCA2 exon 11 coldspot. Reclassification based on statistical prior probability.

Ambry Genetics
Classification: Uncertain significance for Hereditary cancer-predisposing syndrome. Last evaluated: 2021-05-25. Review status: criteria provided, single submitter. Criteria: Ambry Variant Classification Scheme 2023. Collection method: clinical testing. Allele origin: germline.
Comment: The p.C1580R variant (also known as c.4738T>C), located in coding exon 10 of the BRCA2 gene, results from a T to C substitution at nucleotide position 4738. The cysteine at codon 1580 is replaced by arginine, an amino acid with highly dissimilar properties. This amino acid position is poorly conserved in available vertebrate species. In addition, this alteration is predicted to be tolerated by in silico analysis. Since supporting evidence is limited at this time, the clinical significance of this alteration remains unclear.

NM_000059.4(BRCA2):c.4738T>C (p.Cys1580Arg)

Gene: BRCA2 (BRCA2 DNA repair associated; plus strand). Cytogenetic location: 13q13.1.
Variant type: single nucleotide variant.
Coding change: c.4738T>C on transcript NM_000059.4 (MANE Select); coding-DNA position 4738, T replaced by C.
Protein change: p.Cys1580Arg; replaces cysteine 1580 with arginine.
Molecular consequence: missense variant.
Genome position (GRCh38, 1-based): chr13:32,339,093, T>C. VCF-style: chr13-32339093-T-C. GRCh37 (hg19) VCF-style: chr13-32913230-T-C.
Other names: short protein forms C1580R.
Identifiers: ClinVar variation 1008584 (VCV001008584.15), dbSNP rs2072511910, ClinGen allele CA387783048.